The following is an entry in ClinVar:

ClinVar aggregate classification (germline): Likely pathogenic (1 of 4 stars; one submission).

Conditions:
Liver disease, severe congenital (SCOLIV). Also called: FOCAD DEFICIENCY. Identifiers: MedGen C5774195, MONDO:0859273, OMIM 619991.

Submission:

Neuberg Centre For Genomic Medicine, NCGM
Classification: Likely pathogenic for Liver disease, severe congenital. Last evaluated: 2023-07-22. Review status: criteria provided, single submitter. Criteria: ACMG Guidelines, 2015. Collection method: clinical testing. Allele origin: germline. Inheritance: Autosomal recessive inheritance. Affected: yes.
Comment: The observed splice donor c.3675+1G>A variant in FOCAD gene has not been reported previously as a pathogenic variant nor as a benign variant, to our knowledge. This variant is absent in gnomAD Exomes. The variant affects the GT donor splice site downstream of exon 30. This variant is predicted to cause loss of normal protein function through protein truncation. Loss of function variants have been previously reported to be disease causing. The spliceAI tool predicts that this splice site variant is damaging. For these reasons, this variant has been classified as Likely Pathogenic.

NM_001375567.1(FOCAD):c.3675+1G>A

Gene: FOCAD (focadhesin; plus strand). Cytogenetic location: 9p21.3.
Variant type: single nucleotide variant.
Coding change: c.3675+1G>A on transcript NM_001375567.1 (MANE Select); the canonical splice donor site of the intron after coding-DNA position 3675, G replaced by A.
Molecular consequence: splice donor variant.
Genome position (GRCh38, 1-based): chr9:20,946,821, G>A. VCF-style: chr9-20946821-G-A. GRCh37 (hg19) VCF-style: chr9-20946820-G-A.
Other names: c.3675+1G>A (NM_017794.5); c.3570+1G>A (NM_001375568.1, NM_001375570.1).
Identifiers: ClinVar variation 3391257 (VCV003391257.1).
Genomic context (GRCh38, chr9:20,946,821, plus strand): 5'-GCTACAGAGGCTGAGGATGTTATGAACAAGCTTCGACTGTTAGTGGAGAATAGCCAGCAG[G>A]TTGGAACGTGTGCCCTGATTATTTCTCTCTGTGGGTCTCATGCTGCTGCTAAGTTTTGCT-3'